The following is an entry in ClinVar:

ClinVar aggregate classification (germline): Pathogenic. Review status: criteria provided, single submitter (1 of 4 stars). 2 submissions from 2 submitters: Pathogenic (1). 1 of the submissions does not count toward it. Last evaluated 2023-11-28.

Conditions:
Intellectual disability. Also called: Intellectual developmental disorder; Intellectual functioning disability; intellectual disabilities. Identifiers: MedGen C3714756, MeSH D008607, MONDO:0001071, HP:0001249.
Developmental and epileptic encephalopathy 92. Also called: EPILEPTIC ENCEPHALOPATHY, INFANTILE OR EARLY CHILDHOOD, 2. Identifiers: MedGen C4693362, MONDO:0020631, OMIM 617829.

Submissions (2):

Labcorp Genetics (formerly Invitae), Labcorp
Classification: Pathogenic for Intellectual disability. Last evaluated: 2023-11-28. Review status: criteria provided, single submitter. Criteria: Invitae Variant Classification Sherloc (09022015). Collection method: clinical testing. Allele origin: germline.
Comment: This sequence change replaces leucine, which is neutral and non-polar, with serine, which is neutral and polar, at codon 277 of the GABRB2 protein (p.Leu277Ser). This variant is not present in population databases (gnomAD no frequency). This missense change has been observed in individual(s) with developmental and epileptic encephalopathy (PMID: 29100083). In at least one individual the variant was observed to be de novo. ClinVar contains an entry for this variant (Variation ID: 487683). An algorithm developed to predict the effect of missense changes on protein structure and function (PolyPhen-2) suggests that this variant is likely to be disruptive. For these reasons, this variant has been classified as Pathogenic.

OMIM
Classification: Pathogenic for DEVELOPMENTAL AND EPILEPTIC ENCEPHALOPATHY 92. Last evaluated: 2021-03-15. Review status: no assertion criteria provided. Collection method: literature only. Allele origin: germline. Not counted in ClinVar's aggregate classification.

Literature cited by the submitters: PubMed 29100083 (cited by Labcorp Genetics (formerly Invitae), Labcorp and OMIM).

NM_001371727.1(GABRB2):c.830T>C (p.Leu277Ser)

Gene: GABRB2 (gamma-aminobutyric acid type A receptor subunit beta2; minus strand). Cytogenetic location: 5q34.
Variant type: single nucleotide variant.
Coding change: c.830T>C on transcript NM_001371727.1 (MANE Select); coding-DNA position 830, T replaced by C.
Protein change: p.Leu277Ser; replaces leucine 277 with serine.
Molecular consequence: missense variant.
Genome position (GRCh38, 1-based): chr5:161,334,754, A>G on the plus strand (T>C on the coding strand, the complement: GABRB2 is on the minus strand). VCF-style: chr5-161334754-A-G. GRCh37 (hg19) VCF-style: chr5-160761761-A-G.
Other names: c.830T>C, p.Leu277Ser (NM_000813.3, NM_021911.3); short protein forms L277S.
Identifiers: ClinVar variation 487683 (VCV000487683.6), dbSNP rs1554094145, ClinGen allele CA362171472.